The following is an entry in ClinVar:

ClinVar aggregate classification (germline): Uncertain significance. Review status: criteria provided, multiple submitters, no conflicts (2 of 4 stars). 2 submissions from 2 submitters: Uncertain significance (2). Last evaluated 2024-10-08.

Submissions (2):

GeneDx
Classification: Uncertain significance. Last evaluated: 2024-10-08. Review status: criteria provided, single submitter. Criteria: GeneDx Variant Classification Process June 2021. Collection method: clinical testing. Allele origin: germline. Affected: yes.
Comment: Not observed at significant frequency in large population cohorts (gnomAD); In silico analysis indicates that this missense variant does not alter protein structure/function; Has not been previously published as pathogenic or benign to our knowledge

CeGaT Center for Human Genetics Tuebingen
Classification: Uncertain significance. Last evaluated: 2024-09-01. Review status: criteria provided, single submitter. Criteria: CeGaT Center For Human Genetics Tuebingen Variant Classification Criteria Version 2. Collection method: clinical testing. Allele origin: germline. Affected: yes. Observed: 1 variant allele.
Comment: KMT2D: PM2, BP4

NM_003482.4(KMT2D):c.8444A>G (p.Gln2815Arg)

Gene: KMT2D (lysine methyltransferase 2D; minus strand). Cytogenetic location: 12q13.12.
Variant type: single nucleotide variant.
Coding change: c.8444A>G on transcript NM_003482.4 (MANE Select); coding-DNA position 8444, A replaced by G.
Protein change: p.Gln2815Arg; replaces glutamine 2815 with arginine.
Molecular consequence: missense variant.
Genome position (GRCh38, 1-based): chr12:49,038,912, T>C on the plus strand (A>G on the coding strand, the complement: KMT2D is on the minus strand). VCF-style: chr12-49038912-T-C. GRCh37 (hg19) VCF-style: chr12-49432695-T-C.
Other names: short protein forms Q2815R.
Identifiers: ClinVar variation 3389789 (VCV003389789.14).